The following is an entry in ClinVar:

NM_152416.2(NDUFAF6):c.-25T>C

Genes: NDUFAF6 (NADH:ubiquinone oxidoreductase complex assembly factor 6; plus strand), LOC113788297 (Sharpr-MPRA regulatory region 2014; plus strand). Cytogenetic location: 8q22.1.
Variant type: single nucleotide variant.
Coding change: c.-25T>C on transcript NM_152416.2; 25 bases upstream of the start codon, T replaced by C.
Molecular consequence: intron variant (on NM_001354534.2).
Genome position (GRCh38, 1-based): chr8:95,024,984, T>C. VCF-style: chr8-95024984-T-C. GRCh37 (hg19) VCF-style: chr8-96037212-T-C.
Other names: c.-136-7011T>C (NM_001354534.2); c.-83-7011T>C (NM_001354514.2, NM_001354515.2); c.-456-7011T>C (NM_001354525.2, NM_001354524.2); c.-383-7011T>C (NM_001354522.2); c.42-7011T>C (NM_001354516.2).
Identifiers: ClinVar variation 384560 (VCV000384560.3), dbSNP rs985685952, ClinGen allele CA16605444.

ClinVar aggregate classification (germline): Likely benign (1 of 4 stars; one submission).

gnomAD v4.1: 1 of 1,294,642 alleles (0.000077%); highest among the groups gnomAD compares: Non-Finnish European, 0.000097%; no homozygotes.

Submission:

GeneDx
Classification: Likely benign. Last evaluated: 2016-03-29. Review status: criteria provided, single submitter. Criteria: GeneDx Variant Classification (06012015). Collection method: clinical testing. Allele origin: germline. Affected: yes.
Comment: This variant is considered likely benign or benign based on one or more of the following criteria: it is a conservative change, it occurs at a poorly conserved position in the protein, it is predicted to be benign by multiple in silico algorithms, and/or has population frequency not consistent with disease.